The following is an entry in ClinVar:

ClinVar aggregate classification (germline): Uncertain significance (1 of 4 stars; one submission).

Conditions:
Autism, susceptibility to, 17. Also called: Autism susceptibility 17. Identifiers: MedGen C3150693, MONDO:0013265, OMIM 613436.

Allele frequency attached by ClinVar (database versions not stated): ExAC 0.00001; gnomAD 0.00001; gnomAD exomes 0.00001; TOPMed 0.00001.
gnomAD v4.1: 15 of 1,606,142 alleles (0.00093%); highest among the groups gnomAD compares: Admixed American, 0.0017%; no homozygotes.

Submission:

New York Genome Center
Classification: Uncertain significance for Autism, susceptibility to, 17. Last evaluated: 2019-10-07. Review status: criteria provided, single submitter. Criteria: NYGC Assertion Criteria 2020. Collection method: clinical testing. Allele origin: germline. Inheritance: Autosomal dominant inheritance. Observed: 1 heterozygote. Study: CSER-NYCKidSeq.
Comment: The c.904C>G (p.Pro302Ala) variant identified in the SHANK2 gene substitutes a completely conserved Proline for Alanine at amino acid 302/1262 (coding exon: 10/11). This variant is found with low frequency in gnomAD (4 heterozygotes, 0 homozygotes; allele frequency: 1.51e-5) and ExAC (1 heterozygote, 0 homozygotes; allele frequency: 1.355e-5), suggesting it is not a common benign variant in the populations represented in these databases. In silico algorithms predict this variant to be Deleterious (Provean; score:-6.23) and Damaging (SIFT; score: 0.017) to the function of the canonical transcript. This variant is absent from ClinVar and to our current knowledge has not been reported in affected individuals in the literature. Given the lack of compelling evidence for its pathogenicity, the c.904C>G (p.Pro302Ala) variant identified in SHANK2 is reported here as a Variant of Uncertain Significance.

NM_012309.5(SHANK2):c.2668C>G (p.Pro890Ala)

Gene: SHANK2 (SH3 and multiple ankyrin repeat domains 2; minus strand). Cytogenetic location: 11q13.3.
Variant type: single nucleotide variant.
Coding change: c.2668C>G on transcript NM_012309.5 (MANE Select); coding-DNA position 2668, C replaced by G.
Protein change: p.Pro890Ala; replaces proline 890 with alanine.
Molecular consequence: missense variant.
Genome position (GRCh38, 1-based): chr11:70,487,625, G>C on the plus strand (C>G on the coding strand, the complement: SHANK2 is on the minus strand). VCF-style: chr11-70487625-G-C. GRCh37 (hg19) VCF-style: chr11-70333730-G-C.
Other names: c.1531C>G, p.Pro511Ala (NM_001379226.1); c.904C>G, p.Pro302Ala (NM_133266.5); short protein forms P302A, P511A, P890A.
Identifiers: ClinVar variation 996883 (VCV000996883.1), dbSNP rs782309898, ClinGen allele CA6161259.